The following is an entry in ClinVar:

NM_139276.3(STAT3):c.645+15C>T

Gene: STAT3 (signal transducer and activator of transcription 3; minus strand). Cytogenetic location: 17q21.2.
Variant type: single nucleotide variant.
Coding change: c.645+15C>T on transcript NM_139276.3 (MANE Select); 15 bases into the intron after coding-DNA position 645, C replaced by T.
Molecular consequence: intron variant.
Genome position (GRCh38, 1-based): chr17:42,337,748, G>A on the plus strand (C>T on the coding strand, the complement: STAT3 is on the minus strand). VCF-style: chr17-42337748-G-A. GRCh37 (hg19) VCF-style: chr17-40489766-G-A.
Other names: c.645+15C>T (NM_001369519.1, NM_003150.4, NM_001369517.1 and 7 more transcripts).
Identifiers: ClinVar variation 892400 (VCV000892400.8), dbSNP rs772535269, ClinGen allele CA8575588.
Genomic context (GRCh38, chr17:42,337,748, plus strand): 5'-AGTTCTGCCACAAGACGCTGAAATCCCGCAAGTGAGCGAGACACATGGGGGAAGTGGTCC[G>A]ACCTATGCCCTTACTCTCCGCATCTGGTCCAGCGCAGTGAGCATCTGTTCCAGCTGCTGC-3'

ClinVar aggregate classification (germline): Likely benign. Review status: criteria provided, multiple submitters, no conflicts (2 of 4 stars). 2 submissions from 2 submitters: Likely benign (2). Last evaluated 2025-12-08.

Conditions:
Hyper-IgE recurrent infection syndrome 1, autosomal dominant. Also called: HYPER-IgE SYNDROME 1, AUTOSOMAL DOMINANT, WITH RECURRENT INFECTIONS; Job's Syndrome; JOB SYNDROME; STAT3 Hyper IgE Syndrome; Hyper-IgE recurrent infection syndrome 1. Identifiers: Orphanet 2314, MedGen C2936739, MONDO:0007818, OMIM 147060.
STAT3 gain of function. Identifiers: MedGen C4288261.

Allele frequency attached by ClinVar (database versions not stated): gnomAD 0.00001; TOPMed 0.00001; gnomAD exomes 0.00002; ExAC 0.00003.
gnomAD v4.1: 22 of 1,613,936 alleles (0.0014%); highest among the groups gnomAD compares: Non-Finnish European, 0.0017%; no homozygotes.

Submissions (2):

Labcorp Genetics (formerly Invitae), Labcorp
Classification: Likely benign for STAT3 gain of function; Hyper-IgE recurrent infection syndrome 1, autosomal dominant. Last evaluated: 2025-12-08. Review status: criteria provided, single submitter. Criteria: Invitae Variant Classification Sherloc (09022015). Collection method: clinical testing. Allele origin: germline.

Illumina Laboratory Services, Illumina
Classification: Likely benign for Hyper-IgE recurrent infection syndrome 1, autosomal dominant. Last evaluated: 2018-03-06. Review status: criteria provided, single submitter. Criteria: ICSL Variant Classification Criteria 13 December 2019. Collection method: clinical testing. Allele origin: germline.
Comment: This variant was observed in the ICSL laboratory as part of a predisposition screen in an ostensibly healthy population. It had not been previously curated by ICSL or reported in the Human Gene Mutation Database (HGMD: prior to June 1st, 2018), and was therefore a candidate for classification through an automated scoring system. Utilizing variant allele frequency, disease prevalence and penetrance estimates, and inheritance mode, an automated score was calculated to assess if this variant is too frequent to cause the disease. Based on the score and internal cut-off values, a variant classified as likely benign is not then subjected to further curation. The score for this variant resulted in a classification of likely benign for this disease.